The following is an entry in ClinVar:

NM_032638.5(GATA2):c.218G>A (p.Ser73Asn)

Gene: GATA2 (GATA binding protein 2; minus strand). Cytogenetic location: 3q21.3.
Variant type: single nucleotide variant.
Coding change: c.218G>A on transcript NM_032638.5 (MANE Select); coding-DNA position 218, G replaced by A.
Protein change: p.Ser73Asn; replaces serine 73 with asparagine.
Molecular consequence: missense variant.
Genome position (GRCh38, 1-based): chr3:128,486,814, C>T on the plus strand (G>A on the coding strand, the complement: GATA2 is on the minus strand). VCF-style: chr3-128486814-C-T. GRCh37 (hg19) VCF-style: chr3-128205657-C-T.
Other names: c.218G>A, p.Ser73Asn (NM_001145661.2, NM_001145662.1); short protein forms S73N.
Identifiers: ClinVar variation 3852999 (VCV003852999.1).
Genomic context (GRCh38, chr3:128,486,814, plus strand): 5'-GCCTGGCGCGCGGCGCCTGGGTTCTCATCACCACGGGCCCAGTGCTCACCGTGCGCGGGG[C>T]TGTAGGAGACGCGCGCCCGCGCGTGAGCGGGGTTGGCATAGTAGGGGTTGCCCTGCGAGT-3'
Protein context (NP_116027.2, residues 63-83): PAHARARVSY[Ser73Asn]PAHARLTGGQ

ClinVar aggregate classification (germline): Uncertain significance (1 of 4 stars; one submission).

Conditions:
Inborn genetic diseases. Identifiers: MedGen C0950123, MeSH D030342.

gnomAD v4.1: 2 of 1,606,074 alleles (0.00012%); highest among the groups gnomAD compares: Middle Eastern, 0.017%; no homozygotes.

Submission:

Ambry Genetics
Classification: Uncertain significance for Inborn genetic diseases. Last evaluated: 2025-01-05. Review status: criteria provided, single submitter. Criteria: Ambry Variant Classification Scheme 2023. Collection method: clinical testing. Allele origin: germline.
Comment: The p.S73N variant (also known as c.218G>A), located in coding exon 1 of the GATA2 gene, results from a G to A substitution at nucleotide position 218. The serine at codon 73 is replaced by asparagine, an amino acid with highly similar properties. This amino acid position is conserved. In addition, the in silico prediction for this alteration is inconclusive. Based on the available evidence, the clinical significance of this variant remains unclear.